The following is an entry in ClinVar:

ClinVar aggregate classification (germline): Benign/Likely benign. Review status: criteria provided, multiple submitters, no conflicts (2 of 4 stars). 5 submissions from 5 submitters: Benign (1); Likely benign (4). Last evaluated 2025-03-23.

Conditions:
Hereditary cancer-predisposing syndrome. Also called: Tumor predisposition; Hereditary neoplastic syndrome; Neoplastic Syndromes, Hereditary; Hereditary Cancer Syndrome. Identifiers: Orphanet 140162, MedGen C0027672, MeSH D009386, MONDO:0015356.
Familial adenomatous polyposis 1 (FAP1). Also called: FAMILIAL ADENOMATOUS POLYPOSIS 1, ATTENUATED; POLYPOSIS, ADENOMATOUS INTESTINAL. Identifiers: MedGen C2713442, MONDO:0021056, OMIM 175100. Disease mechanism: loss of function.

Allele frequency attached by ClinVar (database versions not stated): gnomAD exomes 0.00001.
gnomAD v4.1: 10 of 1,614,050 alleles (0.00062%); highest among the groups gnomAD compares: South Asian, 0.0011%; no homozygotes.

Submissions (5):

Labcorp Genetics (formerly Invitae), Labcorp
Classification: Likely benign for Familial adenomatous polyposis 1. Last evaluated: 2025-03-23. Review status: criteria provided, single submitter. Criteria: Invitae Variant Classification Sherloc (09022015). Collection method: clinical testing. Allele origin: germline.

Color Diagnostics, LLC DBA Color Health
Classification: Likely benign for Hereditary cancer-predisposing syndrome. Last evaluated: 2024-09-03. Review status: criteria provided, single submitter. Criteria: ACMG Guidelines, 2015. Collection method: clinical testing. Allele origin: germline.

Myriad Genetics, Inc.
Classification: Benign for Familial adenomatous polyposis 1. Last evaluated: 2024-04-08. Review status: criteria provided, single submitter. Criteria: Myriad Autosomal Dominant, Autosomal Recessive and X-Linked Classification Criteria (2023). Collection method: clinical testing. Allele origin: unknown.
Comment: This variant is considered benign. This variant is a silent/synonymous amino acid change and it is not expected to impact splicing.

Ambry Genetics
Classification: Likely benign for Hereditary cancer-predisposing syndrome. Last evaluated: 2019-05-02. Review status: criteria provided, single submitter. Criteria: Ambry Variant Classification Scheme 2023. Collection method: clinical testing. Allele origin: germline.

GeneDx
Classification: Likely benign. Last evaluated: 2017-10-27. Review status: criteria provided, single submitter. Criteria: GeneDx Variant Classification (06012015). Collection method: clinical testing. Allele origin: germline. Affected: yes.
Comment: This variant is considered likely benign or benign based on one or more of the following criteria: it is a conservative change, it occurs at a poorly conserved position in the protein, it is predicted to be benign by multiple in silico algorithms, and/or has population frequency not consistent with disease.

NM_000038.6(APC):c.6903A>G (p.Arg2301=)

Gene: APC (APC regulator of Wnt signaling pathway; plus strand). Cytogenetic location: 5q22.2.
Variant type: single nucleotide variant.
Coding change: c.6903A>G on transcript NM_000038.6 (MANE Select); coding-DNA position 6903, A replaced by G.
Protein change: p.Arg2301=; no amino-acid change (arginine 2301 retained).
Molecular consequence: synonymous variant.
Genome position (GRCh38, 1-based): chr5:112,842,497, A>G. VCF-style: chr5-112842497-A-G. GRCh37 (hg19) VCF-style: chr5-112178194-A-G.
Other names: c.6903A>G, p.Arg2301= (NM_001127510.3, NM_001354895.2); c.6849A>G, p.Arg2283= (NM_001127511.3); c.6957A>G, p.Arg2319= (NM_001354896.2); c.6933A>G, p.Arg2311= (NM_001354897.2); c.6828A>G, p.Arg2276= (NM_001354898.2); c.6819A>G, p.Arg2273= (NM_001354899.2); c.6780A>G, p.Arg2260= (NM_001354900.2); c.6726A>G, p.Arg2242= (NM_001354901.2); and 5 more.
Identifiers: ClinVar variation 381233 (VCV000381233.17), dbSNP rs1057520984, ClinGen allele CA16605190.
Genomic context (GRCh38, chr5:112,842,497, plus strand): 5'-ATTAAGCCCTGTTGCCAGGCAGACATCCCAAATAGGTGGGTCAAGTAAAGCACCTTCTAG[A>G]TCAGGATCTAGAGATTCGACCCCTTCAAGACCTGCCCAGCAACCATTAAGTAGACCTATA-3'
Protein context (NP_000029.2, residues 2291-2311): QIGGSSKAPS[Arg2301=]SGSRDSTPSR